The following is an entry in ClinVar:

NM_005422.4(TECTA):c.5813A>G (p.Lys1938Arg)

Genes: TBCEL-TECTA (TBCEL-TECTA readthrough; plus strand), TECTA (tectorin alpha; plus strand). Cytogenetic location: 11q23.3.
Variant type: single nucleotide variant.
Coding change: c.5813A>G on transcript NM_005422.4 (MANE Select); coding-DNA position 5813, A replaced by G.
Protein change: p.Lys1938Arg; replaces lysine 1938 with arginine.
Molecular consequence: missense variant.
Genome position (GRCh38, 1-based): chr11:121,168,739, A>G. VCF-style: chr11-121168739-A-G. GRCh37 (hg19) VCF-style: chr11-121039448-A-G.
Other names: c.6755A>G, p.Lys2252Arg (NM_001378761.1); c.5813A>G (NM_005422.2); short protein forms K1938R, K2252R.
Identifiers: ClinVar variation 3620332 (VCV003620332.3).

ClinVar aggregate classification (germline): Uncertain significance. Review status: criteria provided, multiple submitters, no conflicts (2 of 4 stars). 2 submissions from 2 submitters: Uncertain significance (2). Last evaluated 2026-04-11.

Conditions:
Inborn genetic diseases. Identifiers: MedGen C0950123, MeSH D030342.

gnomAD v4.1: 8 of 1,614,106 alleles (0.0005%); highest among the groups gnomAD compares: South Asian, 0.0011%; no homozygotes.

Submissions (2):

Ambry Genetics
Classification: Uncertain significance for Inborn genetic diseases. Last evaluated: 2026-04-11. Review status: criteria provided, single submitter. Criteria: Ambry Variant Classification Scheme 2023. Collection method: clinical testing. Allele origin: germline.

Labcorp Genetics (formerly Invitae), Labcorp
Classification: Uncertain significance. Last evaluated: 2024-08-01. Review status: criteria provided, single submitter. Criteria: Invitae Variant Classification Sherloc (09022015). Collection method: clinical testing. Allele origin: germline.
Comment: This sequence change replaces lysine, which is basic and polar, with arginine, which is basic and polar, at codon 1938 of the TECTA protein (p.Lys1938Arg). This variant is present in population databases (rs769992304, gnomAD 0.0009%). This variant has not been reported in the literature in individuals affected with TECTA-related conditions. Advanced modeling of protein sequence and biophysical properties (such as structural, functional, and spatial information, amino acid conservation, physicochemical variation, residue mobility, and thermodynamic stability) performed at Invitae indicates that this missense variant is not expected to disrupt TECTA protein function with a negative predictive value of 95%. In summary, the available evidence is currently insufficient to determine the role of this variant in disease. Therefore, it has been classified as a Variant of Uncertain Significance.